The following is an entry in ClinVar:

NM_002087.4(GRN):c.1294C>T (p.Arg432Cys)

Gene: GRN (granulin precursor; plus strand). Cytogenetic location: 17q21.31.
Variant type: single nucleotide variant.
Coding change: c.1294C>T on transcript NM_002087.4 (MANE Select); coding-DNA position 1294, C replaced by T.
Protein change: p.Arg432Cys; replaces arginine 432 with cysteine.
Molecular consequence: missense variant.
Genome position (GRCh38, 1-based): chr17:44,352,129, C>T. VCF-style: chr17-44352129-C-T. GRCh37 (hg19) VCF-style: chr17-42429497-C-T.
Other names: c.1294C>T (NM_002087.3); short protein forms R432C.
Identifiers: ClinVar variation 98179 (VCV000098179.11), dbSNP rs63750130, ClinGen allele CA225333.

ClinVar aggregate classification (germline): Uncertain significance. Review status: criteria provided, multiple submitters, no conflicts (2 of 4 stars). 4 submissions from 4 submitters: Uncertain significance (2). 2 of the submissions do not count toward it. Last evaluated 2025-08-10.

Conditions:
GRN-related disorder. Also called: GRN-related disorders; GRN-related condition.
Inborn genetic diseases. Identifiers: MedGen C0950123, MeSH D030342.
GRN-related frontotemporal lobar degeneration with Tdp43 inclusions (FTD2). Also called: GRN Frontotemporal Dementia; FRONTOTEMPORAL DEMENTIA WITH TDP43 INCLUSIONS, GRN-RELATED; DEMENTIA, HEREDITARY DYSPHASIC DISINHIBITION; FRONTOTEMPORAL LOBAR DEGENERATION WITH UBIQUITIN-POSITIVE INCLUSIONS; FTLD-TDP, GRN-RELATED. Identifiers: Orphanet 100070, Orphanet 282, MedGen C1843792, MONDO:0011842, OMIM 607485. Disease mechanism: loss of function.
Neuronal ceroid lipofuscinosis 11. Also called: GRN-Related Neuronal Ceroid-Lipofuscinosis. Identifiers: Orphanet 314629, Orphanet 79262, MedGen C3539123, MONDO:0013866, OMIM 614706.

Allele frequency attached by ClinVar (database versions not stated): TOPMed 0.00001; gnomAD 0.00003; ESP Exome Variant Server 0.00008.
gnomAD v4.1: 149 of 1,613,696 alleles (0.0092%); highest among the groups gnomAD compares: Middle Eastern, 0.016%; no homozygotes.

Submissions (4):

Labcorp Genetics (formerly Invitae), Labcorp
Classification: Uncertain significance for Neuronal ceroid lipofuscinosis 11; GRN-related frontotemporal lobar degeneration with Tdp43 inclusions. Last evaluated: 2025-08-10. Review status: criteria provided, single submitter. Criteria: Invitae Variant Classification Sherloc (09022015). Collection method: clinical testing. Allele origin: germline.
Comment: This sequence change replaces arginine, which is basic and polar, with cysteine, which is neutral and slightly polar, at codon 432 of the GRN protein (p.Arg432Cys). This variant is present in population databases (rs63750130, gnomAD 0.009%). This missense change has been observed in individual(s) with GRN-related conditions (PMID: 17345602, 23463024, 25104557). ClinVar contains an entry for this variant (Variation ID: 98179). Invitae Evidence Modeling of protein sequence and biophysical properties (such as structural, functional, and spatial information, amino acid conservation, physicochemical variation, residue mobility, and thermodynamic stability) has been performed for this missense variant. However, the output from this modeling did not meet the statistical confidence thresholds required to predict the impact of this variant on GRN protein function. Experimental studies have shown that this missense change affects GRN function (PMID: 17984093). In summary, the available evidence is currently insufficient to determine the role of this variant in disease. Therefore, it has been classified as a Variant of Uncertain Significance.

Ambry Genetics
Classification: Uncertain significance for Inborn genetic diseases. Last evaluated: 2016-08-08. Review status: criteria provided, single submitter. Criteria: Ambry Variant Classification Scheme 2023. Collection method: clinical testing. Allele origin: germline.
Comment: The p.R432C variant (also known as c.1294C>T), located in coding exon 10 of the GRN gene, results from a C to T substitution at nucleotide position 1294. In an in vitro study, this alteration was shown to result in a 45% reduction of secretion of the PGRN protein compared to wild type (Shankaran SS et al. J. Biol. Chem., 2008 Jan;283:1744-53). This variant was previously reported in the SNPDatabase as rs63750130. Based on data from the NHLBI Exome Sequencing Project (ESP), the T allele has an overall frequency of approximately 0.01% (1/13006) total alleles studied and 0.01% (1/8600) European American alleles. This amino acid position is poorly conserved in available vertebrate species. In addition, the in silico prediction for this alteration is inconclusive. Since supporting evidence is limited at this time, the clinical significance of this alteration remains unclear.

PreventionGenetics, part of Exact Sciences
Classification: Uncertain significance for GRN-related condition. Last evaluated: 2024-05-02. Review status: no assertion criteria provided. Collection method: clinical testing. Allele origin: germline. Not counted in ClinVar's aggregate classification.
Comment: The GRN c.1294C>T variant is predicted to result in the amino acid substitution p.Arg432Cys. This variant has been reported in individuals with frontotemporal dementia (van der Zee et al. 2007. PubMed ID: 17345602; noted as benign in Table2, Öijerstedt et al. 2019. PubMed ID: 30992141). In vitro functional studies demonstrate that expression of this variant results in ~45% decreased progranulin secretion but did not have an effect on TDP-43 subcellular localization when compared to wildtype (Shankaran et al. 2007. PubMed ID: 17984093). This variant is reported in 0.0085% of alleles in individuals of European (non-Finnish) descent in gnomAD. At this time, the clinical significance of this variant is uncertain due to the absence of conclusive functional and genetic evidence.

VIB  Department of Molecular Genetics, University of Antwerp
No classification provided. Review status: no classification provided. Collection method: not provided. Allele origin: unknown. Not counted in ClinVar's aggregate classification.

Literature cited by the submitters: PubMed 17345602 (cited by Labcorp Genetics (formerly Invitae), Labcorp and Ambry Genetics); PubMed 23463024 (cited by Labcorp Genetics (formerly Invitae), Labcorp); PubMed 25104557 (cited by Labcorp Genetics (formerly Invitae), Labcorp and Ambry Genetics); PubMed 17984093 (cited by Labcorp Genetics (formerly Invitae), Labcorp and Ambry Genetics); PubMed 17436289 (cited by Ambry Genetics); PubMed 18565828 (cited by Ambry Genetics).